The following is an entry in ClinVar:

NM_020699.4(GATAD2B):c.1613A>C (p.Gln538Pro)

Gene: GATAD2B (GATA zinc finger domain containing 2B; minus strand). Cytogenetic location: 1q21.3.
Variant type: single nucleotide variant.
Coding change: c.1613A>C on transcript NM_020699.4 (MANE Select); coding-DNA position 1613, A replaced by C.
Protein change: p.Gln538Pro; replaces glutamine 538 with proline.
Molecular consequence: missense variant.
Genome position (GRCh38, 1-based): chr1:153,811,766, T>G on the plus strand (A>C on the coding strand, the complement: GATAD2B is on the minus strand). VCF-style: chr1-153811766-T-G. GRCh37 (hg19) VCF-style: chr1-153784242-T-G.
Other names: short protein forms Q538P.
Identifiers: ClinVar variation 4856870 (VCV004856870.2).

ClinVar aggregate classification (germline): Uncertain significance (1 of 4 stars; one submission).

Submission:

Dasa
Classification: Uncertain significance. Last evaluated: 2025-12-31. Review status: criteria provided, single submitter. Criteria: DASA Assertion Criteria. Collection method: clinical testing. Allele origin: germline.
Comment: NM_020699.4(GATAD2B):c.1613A>C (p.Gln538Pro) is a missense variant that results in the substitution of glutamine with proline. This variant is rare in population databases. The currently available literature and clinical evidence are not sufficient to establish a definitive association between this variant and the reported condition. Therefore, this variant is classified as a variant of uncertain significance.